The following is an entry in ClinVar:

NM_001101.5(ACTB):c.633C>G (p.Asp211Glu)

Gene: ACTB (actin beta; minus strand). Cytogenetic location: 7p22.1.
Variant type: single nucleotide variant.
Coding change: c.633C>G on transcript NM_001101.5 (MANE Select); coding-DNA position 633, C replaced by G.
Protein change: p.Asp211Glu; replaces aspartic acid 211 with glutamic acid.
Molecular consequence: missense variant.
Genome position (GRCh38, 1-based): chr7:5,528,450, G>C on the plus strand (C>G on the coding strand, the complement: ACTB is on the minus strand). VCF-style: chr7-5528450-G-C. GRCh37 (hg19) VCF-style: chr7-5568081-G-C.
Other names: short protein forms D211E.
Identifiers: ClinVar variation 5007223 (VCV005007223.1).

ClinVar aggregate classification (germline): Uncertain significance (1 of 4 stars; one submission).

Conditions:
Baraitser-Winter syndrome 1 (BRWS1). Also called: PACHYGYRIA, MENTAL RETARDATION, EPILEPSY, AND CHARACTERISTIC FACIES; MENTAL RETARDATION WITH EPILEPSY AND CHARACTERISTIC FACIES; Cerebrofrontofacial syndrome; BARAITSER-WINTER SYNDROME 1, ATYPICAL. Identifiers: Orphanet 2649, Orphanet 2995, MedGen C1855722, MONDO:0009470, OMIM 243310.

Submission:

Juno Genomics, Hangzhou Juno Genomics, Inc
Classification: Uncertain significance for Baraitser-Winter syndrome 1. Review status: criteria provided, single submitter. Criteria: ACMG Guidelines, 2015. Collection method: clinical testing. Allele origin: germline. Affected: yes.
Comment: Absent from controls (or at extremely low frequency if recessive) in Genome Aggregation Database.;De novo (both maternity and paternity confirmed) in a patient with the disease and no family history.;Multiple lines of computational evidence support a deleterious effect on the gene or gene product.;Missense variant in a gene that has a low rate of benign missense variation.